The following is an entry in ClinVar:

NM_018685.5(ANLN):c.1018C>A (p.Gln340Lys)

Gene: ANLN (anillin, actin binding protein; plus strand). Cytogenetic location: 7p14.2.
Variant type: single nucleotide variant.
Coding change: c.1018C>A on transcript NM_018685.5 (MANE Select); coding-DNA position 1018, C replaced by A.
Protein change: p.Gln340Lys; replaces glutamine 340 with lysine.
Molecular consequence: missense variant.
Genome position (GRCh38, 1-based): chr7:36,407,878, C>A. VCF-style: chr7-36407878-C-A. GRCh37 (hg19) VCF-style: chr7-36447487-C-A.
Other names: c.1018C>A, p.Gln340Lys (NM_001284301.3, NM_001284302.3); short protein forms Q340K.
Identifiers: ClinVar variation 3384653 (VCV003384653.1).

ClinVar aggregate classification (germline): Uncertain significance (1 of 4 stars; one submission).

gnomAD v4.1: 1 of 1,613,874 alleles (0.000062%); highest among the groups gnomAD compares: Non-Finnish European, 0.000085%; no homozygotes.

Submission:

GeneDx
Classification: Uncertain significance. Last evaluated: 2024-06-08. Review status: criteria provided, single submitter. Criteria: GeneDx Variant Classification Process June 2021. Collection method: clinical testing. Allele origin: germline. Affected: yes.
Comment: Not observed at significant frequency in large population cohorts (gnomAD); In silico analysis indicates that this missense variant does not alter protein structure/function; Has not been previously published as pathogenic or benign to our knowledge